The following is an entry in ClinVar:

ClinVar aggregate classification (germline): Uncertain significance (1 of 4 stars; one submission).

gnomAD v4.1: 2 of 1,614,048 alleles (0.00012%); highest among the groups gnomAD compares: Non-Finnish European, 0.00017%; no homozygotes.

Submission:

GeneDx
Classification: Uncertain significance. Last evaluated: 2025-08-05. Review status: criteria provided, single submitter. Criteria: GeneDx Variant Classification Process June 2021. Collection method: clinical testing. Allele origin: germline. Affected: yes.
Comment: Not observed at significant frequency in large population cohorts (gnomAD); In silico analysis supports that this missense variant has a deleterious effect on protein structure/function; Has not been previously published as pathogenic or benign to our knowledge

NM_001128159.3(VPS53):c.1732G>A (p.Asp578Asn)

Gene: VPS53 (VPS53 subunit of GARP complex; minus strand). Cytogenetic location: 17p13.3.
Variant type: single nucleotide variant.
Coding change: c.1732G>A on transcript NM_001128159.3 (MANE Select); coding-DNA position 1732, G replaced by A.
Protein change: p.Asp578Asn; replaces aspartic acid 578 with asparagine.
Molecular consequence: missense variant.
Genome position (GRCh38, 1-based): chr17:553,435, C>T on the plus strand (G>A on the coding strand, the complement: VPS53 is on the minus strand). VCF-style: chr17-553435-C-T. GRCh37 (hg19) VCF-style: chr17-456675-C-T.
Other names: c.1732G>A, p.Asp578Asn (NM_001366253.2); c.1138G>A, p.Asp380Asn (NM_001366254.2); c.1645G>A, p.Asp549Asn (NM_018289.4); short protein forms D380N, D549N, D578N.
Identifiers: ClinVar variation 4755939 (VCV004755939.1).